The following is an entry in ClinVar:

ClinVar aggregate classification (germline): Uncertain significance (1 of 4 stars; one submission).

Conditions:
Inborn genetic diseases. Identifiers: MedGen C0950123, MeSH D030342.
Ocular cystinosis. Also called: Non-Nephropathic Cystinosis; Non-Nephropathic (Ocular) Cystinosis. Identifiers: Orphanet 213, Orphanet 411641, MedGen C2931013, MONDO:0009064, OMIM 219750.
Juvenile nephropathic cystinosis. Also called: Intermediate Cystinosis; CYSTINOSIS, LATE-ONSET JUVENILE OR ADOLESCENT NEPHROPATHIC TYPE; Later-Onset (Juvenile) Cystinosis. Identifiers: Orphanet 213, Orphanet 411634, MedGen C0268626, MONDO:0009066, OMIM 219900.

Allele frequency attached by ClinVar (database versions not stated): gnomAD exomes below 0.00001.
gnomAD v4.1: 2 of 1,614,166 alleles (0.00012%); highest among the groups gnomAD compares: Non-Finnish European, 0.00017%; no homozygotes.

Submission:

Labcorp Genetics (formerly Invitae), Labcorp
Classification: Uncertain significance for Inborn genetic diseases; Ocular cystinosis; Juvenile nephropathic cystinosis. Last evaluated: 2024-08-29. Review status: criteria provided, single submitter. Criteria: Invitae Variant Classification Sherloc (09022015). Collection method: clinical testing. Allele origin: germline.
Comment: This sequence change replaces proline, which is neutral and non-polar, with leucine, which is neutral and non-polar, at codon 29 of the CTNS protein (p.Pro29Leu). This variant is not present in population databases (gnomAD no frequency). This variant has not been reported in the literature in individuals affected with CTNS-related conditions. ClinVar contains an entry for this variant (Variation ID: 2187714). Invitae Evidence Modeling of protein sequence and biophysical properties (such as structural, functional, and spatial information, amino acid conservation, physicochemical variation, residue mobility, and thermodynamic stability) indicates that this missense variant is not expected to disrupt CTNS protein function with a negative predictive value of 80%. In summary, the available evidence is currently insufficient to determine the role of this variant in disease. Therefore, it has been classified as a Variant of Uncertain Significance.

NM_004937.3(CTNS):c.86C>T (p.Pro29Leu)

Gene: CTNS (cystinosin, lysosomal cystine transporter; plus strand). Cytogenetic location: 17p13.2.
Variant type: single nucleotide variant.
Coding change: c.86C>T on transcript NM_004937.3 (MANE Select); coding-DNA position 86, C replaced by T.
Protein change: p.Pro29Leu; replaces proline 29 with leucine.
Molecular consequence: missense variant. On other transcripts: 5 prime UTR variant (3), intron variant (1).
Genome position (GRCh38, 1-based): chr17:3,647,468, C>T. VCF-style: chr17-3647468-C-T. GRCh37 (hg19) VCF-style: chr17-3550762-C-T.
Other names: c.86C>T, p.Pro29Leu (NM_001031681.3, NM_001374492.1); c.-271C>T (NM_001374493.1, NM_001374496.1); c.-356C>T (NM_001374494.1); c.-217+7201C>T (NM_001374495.1); short protein forms P29L.
Identifiers: ClinVar variation 2187714 (VCV002187714.3), dbSNP rs2507686245, ClinGen allele CA397687029.
Genomic context (GRCh38, chr17:3,647,468, plus strand): 5'-CCCAGTGCCTCATGTCATTGATTTGGGTCCTTCCAGAGTCAAGCGTCAGCCTCACTGTTC[C>T]TCCTGTCGTAAAGCTGGAGAACGGCAGCTCGACCAACGTCAGCCTCACCCTGCGGTAAGT-3'
Protein context (NP_004928.2, residues 19-39): KCESSVSLTV[Pro29Leu]PVVKLENGSS